The following is an entry in ClinVar:

ClinVar aggregate classification (germline): Likely benign (1 of 4 stars; one submission).

Submission:

CeGaT Center for Human Genetics Tuebingen
Classification: Likely benign. Last evaluated: 2026-03-01. Review status: criteria provided, single submitter. Criteria: CeGaT Center For Human Genetics Tuebingen Variant Classification Criteria Version 2. Collection method: clinical testing. Allele origin: germline. Affected: yes. Observed: 1 variant allele.
Comment: MAMLD1: BP4, BP7

NM_005491.5(MAMLD1):c.*475A>C

Gene: MAMLD1 (mastermind like domain containing 1; plus strand). Cytogenetic location: Xq28.
Variant type: single nucleotide variant.
Coding change: c.*475A>C on transcript NM_005491.5 (MANE Select); 475 bases downstream of the stop codon, A replaced by C.
Molecular consequence: 3 prime UTR variant. On other transcripts: synonymous variant (2).
Genome position (GRCh38, 1-based): chrX:150,512,434, A>C. VCF-style: chrX-150512434-A-C. GRCh37 (hg19) VCF-style: chrX-149680704-A-C.
Other names: c.2358A>C, p.Ala786= (NM_001177465.3); c.*475A>C (NM_001177466.3, NM_001400513.1, NM_001400514.1 and 1 more transcripts); c.2433A>C, p.Ala811= (NM_001400512.1).
Identifiers: ClinVar variation 4821713 (VCV004821713.4).